The following is an entry in ClinVar:

ClinVar aggregate classification (germline): Uncertain significance (1 of 4 stars; one submission).

Conditions:
Shukla-Vernon syndrome. Identifiers: MedGen C5193146, MONDO:0026727, OMIM 301029.

Submission:

Victorian Clinical Genetics Services, Murdoch Childrens Research Institute
Classification: Uncertain significance for Shukla-Vernon syndrome. Last evaluated: 2022-09-02. Review status: criteria provided, single submitter. Criteria: ACMG Guidelines, 2015. Collection method: clinical testing. Allele origin: germline. Inheritance: X-linked recessive inheritance.
Comment: Based on the classification scheme VCGS_Germline_v1.3.4, this variant is classified as VUS-3B. Following criteria are met: 0105 - The mechanism of disease for this gene is not clearly established. However, loss of function is unlikely to be the mechanism for germline disease (PMID: 35178361). (I) 0109 - This gene is associated with X-linked recessive disease. However, females may be mildly affected (PMID: 33810051). (I) 0201 - Variant is predicted to cause nonsense-mediated decay (NMD) and loss of protein (premature termination codon is located at least 54 nucleotides upstream of the final exon-exon junction). (SP) 0253 - This variant is hemizygous. (I) 0301 - Variant is absent from gnomAD (both v2 and v3). (SP) 0309 - An alternative NMD-predicted variant has been observed in gnomAD (v2) (3 heterozygotes, 0 homozygotes, 1 hemizygote). (I) 0710 - Other NMD-predicted variants comparable to the one identified in this case have inconclusive previous evidence for pathogenicity. These variants have been reported once as pathogenic but more often as VUS (LOVD, DECIPHER, ClinVar) in individuals with features including intellectual disability or renal agenesis. However, NMD-predicted variants have been more commonly reported in cohorts with myelodysplastic syndromes, myeloma or intracranial germ cell tumors (ClinVar, PMID: 24896186, PMID: 24047651, PMID: 27470916). (I) 0807 - This variant has no previous evidence of pathogenicity. (I) 0905 - No published segregation evidence has been identified for this variant. (I) 1007 - No published functional evidence has been identified for this variant. (I) Legend: (SP) - Supporting pathogenic, (I) - Information, (SB) - Supporting benign

Literature cited by the submitters: PubMed 24047651; PubMed 24896186; PubMed 27470916; PubMed 33810051; PubMed 35178361.

NM_001379451.1(BCORL1):c.2314C>T (p.Gln772Ter)

Gene: BCORL1 (BCL6 corepressor like 1; plus strand). Cytogenetic location: Xq26.1.
Variant type: single nucleotide variant.
Coding change: c.2314C>T on transcript NM_001379451.1 (MANE Select); coding-DNA position 2314, C replaced by T.
Protein change: p.Gln772Ter; replaces glutamine 772 with a stop codon.
Molecular consequence: nonsense.
Genome position (GRCh38, 1-based): chrX:130,015,086, C>T. VCF-style: chrX-130015086-C-T. GRCh37 (hg19) VCF-style: chrX-129149062-C-T.
Other names: c.2314C>T, p.Gln772Ter (NM_001184772.3, NM_001379450.1, NM_021946.5); short protein forms Q772*.
Identifiers: ClinVar variation 1805998 (VCV001805998.1), dbSNP rs2522673295, ClinGen allele CA414589780.